The following is an entry in ClinVar:

ClinVar aggregate classification (germline): Likely benign. Review status: criteria provided, single submitter (1 of 4 stars). 2 submissions from 2 submitters: Likely benign (1). 1 of the submissions does not count toward it. Last evaluated 2024-09-12.

Conditions:
PACS2-related disorder. Also called: PACS2-related condition.

Allele frequency attached by ClinVar (database versions not stated): gnomAD 0.00007; TOPMed 0.00011; gnomAD exomes 0.00014; ExAC 0.00023.
gnomAD v4.1: 215 of 1,596,574 alleles (0.013%); highest among the groups gnomAD compares: Middle Eastern, 0.099%; 1 homozygote.

Submissions (2):

Blueprint Genetics
Classification: Likely benign. Last evaluated: 2024-09-12. Review status: criteria provided, single submitter. Criteria: ACMG Guidelines, 2015. Collection method: clinical testing. Allele origin: germline.

PreventionGenetics, part of Exact Sciences
Classification: Likely benign for PACS2-related condition. Last evaluated: 2019-04-02. Review status: no assertion criteria provided. Collection method: clinical testing. Allele origin: germline. Not counted in ClinVar's aggregate classification.
Comment: This variant is classified as likely benign based on ACMG/AMP sequence variant interpretation guidelines (Richards et al. 2015 PMID: 25741868, with internal and published modifications).

NM_001100913.3(PACS2):c.*4C>T

Gene: PACS2 (phosphofurin acidic cluster sorting protein 2; plus strand). Cytogenetic location: 14q32.33.
Variant type: single nucleotide variant.
Coding change: c.*4C>T on transcript NM_001100913.3 (MANE Select); 4 bases downstream of the stop codon, C replaced by T.
Molecular consequence: 3 prime UTR variant.
Genome position (GRCh38, 1-based): chr14:105,394,676, C>T. VCF-style: chr14-105394676-C-T. GRCh37 (hg19) VCF-style: chr14-105861013-C-T.
Other names: c.*4C>T (NM_001243127.3, NM_015197.4).
Identifiers: ClinVar variation 3051368 (VCV003051368.3), dbSNP rs782364234, ClinGen allele CA7389383.